The following is an entry in ClinVar:

ClinVar aggregate classification (germline): Uncertain significance (1 of 4 stars; one submission).

Conditions:
Combined immunodeficiency due to LRBA deficiency. Also called: Common variable immunodeficiency 8, with autoimmunity. Identifiers: Orphanet 445018, MedGen C3553512, MONDO:0013863, OMIM 614700.

Allele frequency attached by ClinVar (database versions not stated): gnomAD exomes below 0.00001; gnomAD 0.00001.
gnomAD v4.1: 2 of 1,611,854 alleles (0.00012%); highest among the groups gnomAD compares: Admixed American, 0.0033%; no homozygotes.

Submission:

Labcorp Genetics (formerly Invitae), Labcorp
Classification: Uncertain significance for Combined immunodeficiency due to LRBA deficiency. Last evaluated: 2022-07-14. Review status: criteria provided, single submitter. Criteria: Invitae Variant Classification Sherloc (09022015). Collection method: clinical testing. Allele origin: germline.
Comment: This variant has not been reported in the literature in individuals affected with LRBA-related conditions. This sequence change replaces lysine, which is basic and polar, with isoleucine, which is neutral and non-polar, at codon 2674 of the LRBA protein (p.Lys2674Ile). This variant is present in population databases (rs545676209, gnomAD 0.003%). Algorithms developed to predict the effect of missense changes on protein structure and function are either unavailable or do not agree on the potential impact of this missense change (SIFT: "Tolerated"; PolyPhen-2: "Possibly Damaging"; Align-GVGD: "Class C0"). In summary, the available evidence is currently insufficient to determine the role of this variant in disease. Therefore, it has been classified as a Variant of Uncertain Significance.

NM_001364905.1(LRBA):c.7988A>T (p.Lys2663Ile)

Gene: LRBA (LPS responsive beige-like anchor protein; minus strand). Cytogenetic location: 4q31.3.
Variant type: single nucleotide variant.
Coding change: c.7988A>T on transcript NM_001364905.1 (MANE Select); coding-DNA position 7988, A replaced by T.
Protein change: p.Lys2663Ile; replaces lysine 2663 with isoleucine.
Molecular consequence: missense variant.
Genome position (GRCh38, 1-based): chr4:150,302,654, T>A on the plus strand (A>T on the coding strand, the complement: LRBA is on the minus strand). VCF-style: chr4-150302654-T-A. GRCh37 (hg19) VCF-style: chr4-151223806-T-A.
Other names: c.7988A>T, p.Lys2663Ile (NM_001199282.3); c.8003A>T, p.Lys2668Ile (NM_001367550.1); c.8021A>T, p.Lys2674Ile (NM_006726.5); short protein forms K2663I, K2674I, K2668I.
Identifiers: ClinVar variation 1994068 (VCV001994068.4), dbSNP rs545676209, ClinGen allele CA108318829.